The following is an entry in ClinVar:

ClinVar aggregate classification (germline): Conflicting classifications of pathogenicity. Review status: criteria provided, conflicting classifications (1 of 4 stars). 2 submissions from 2 submitters: Uncertain significance (1); Likely benign (1). Last evaluated 2023-05-16.

Conditions:
RYR1-related disorder. Also called: RYR1-related disorders; RYR1-related condition. Identifiers: MedGen CN239331.
Malignant hyperthermia, susceptibility to, 1 (MHS1). Also called: Anesthesia related hyperthermia; Malignant hyperpyrexia; Fulminating hyperpyrexia; Pharmacogenic myopathy; RYR1-Related Malignant Hyperthermia Susceptibility; Malignant hyperthermia suceptibility 1. Identifiers: Orphanet 423, MedGen C2930980, MONDO:0007783, OMIM 145600.

Submissions (2):

Labcorp Genetics (formerly Invitae), Labcorp
Classification: Likely benign for RYR1-related disorder. Last evaluated: 2023-05-16. Review status: criteria provided, single submitter. Criteria: Invitae Variant Classification Sherloc (09022015). Collection method: clinical testing. Allele origin: germline.

All of Us Research Program, National Institutes of Health
Classification: Uncertain significance for Malignant hyperthermia, susceptibility to, 1. Last evaluated: 2023-05-15. Review status: criteria provided, single submitter. Criteria: ACMG Guidelines, 2015. Collection method: clinical testing. Allele origin: germline. Inheritance: Autosomal dominant inheritance. Observed: 1 variant allele, 1 heterozygote.
Comment: This variant causes a C to G nucleotide substitution at the -7 position of intron 44 of the RYR1 gene. To our knowledge, functional studies have not been reported for this variant. This variant has not been reported in individuals affected with RYR1-related disorders in the literature. This variant has not been identified in the general population by the Genome Aggregation Database (gnomAD). The available evidence is insufficient to determine the role of this variant in disease conclusively. Therefore, this variant is classified as a Variant of Uncertain Significance.

This study involves interpretation of variants in research participants for the purpose of population health screening. Participant phenotype was not available at the time of variant classification. Additional details can be found in publication PMID: 35346344, PMCID: PMC8962531

NM_000540.3(RYR1):c.7215-7C>G

Gene: RYR1 (ryanodine receptor 1; plus strand). Cytogenetic location: 19q13.2.
Variant type: single nucleotide variant.
Coding change: c.7215-7C>G on transcript NM_000540.3 (MANE Select); 7 bases into the intron before coding-DNA position 7215, C replaced by G.
Molecular consequence: intron variant.
Genome position (GRCh38, 1-based): chr19:38,499,901, C>G. VCF-style: chr19-38499901-C-G. GRCh37 (hg19) VCF-style: chr19-38990541-C-G.
Other names: c.7215-7C>G (NM_001042723.2).
Identifiers: ClinVar variation 1900071 (VCV001900071.6), dbSNP rs1452325373, ClinGen allele CA2580097206.